The following is an entry in ClinVar:

ClinVar aggregate classification (germline): Conflicting classifications of pathogenicity. Review status: criteria provided, conflicting classifications (1 of 4 stars). 4 submissions from 4 submitters: Uncertain significance (1); Likely benign (3). Last evaluated 2026-01-25.

Conditions:
PMM2-congenital disorder of glycosylation. Also called: JAEKEN SYNDROME; PHOSPHOMANNOMUTASE 2 DEFICIENCY; Congenital disorder of glycosylation, type Ia; PMM2-CDG; CDG Ia; CARBOHYDRATE-DEFICIENT GLYCOPROTEIN SYNDROME, TYPE Ia. Identifiers: Orphanet 79318, MedGen C0349653, MONDO:0008907, OMIM 212065.
PMM2-related disorder. Also called: PMM2-related condition.

Allele frequency attached by ClinVar (database versions not stated): gnomAD 0.00004 and 0.00007; gnomAD exomes 0.00007; TOPMed 0.00008; ExAC 0.00010; 1000 Genomes Project 0.00040; 1000 Genomes Project 30x 0.00047.
gnomAD v4.1: 96 of 1,505,362 alleles (0.0064%); highest among the groups gnomAD compares: East Asian, 0.068%; no homozygotes.

Submissions (4):

Labcorp Genetics (formerly Invitae), Labcorp
Classification: Likely benign for PMM2-congenital disorder of glycosylation. Last evaluated: 2026-01-25. Review status: criteria provided, single submitter. Criteria: Invitae Variant Classification Sherloc (09022015). Collection method: clinical testing. Allele origin: germline.

PreventionGenetics, part of Exact Sciences
Classification: Likely benign for PMM2-related condition. Last evaluated: 2024-10-29. Review status: criteria provided, single submitter. Criteria: ACMG Guidelines, 2015. Collection method: clinical testing. Allele origin: germline.
Comment: This variant is classified as likely benign based on ACMG/AMP sequence variant interpretation guidelines (Richards et al. 2015 PMID: 25741868, with internal and published modifications).

Blueprint Genetics
Classification: Likely benign. Last evaluated: 2024-08-28. Review status: criteria provided, single submitter. Criteria: ACMG Guidelines, 2015. Collection method: clinical testing. Allele origin: germline.

Illumina Laboratory Services, Illumina
Classification: Uncertain significance for PMM2-congenital disorder of glycosylation. Last evaluated: 2018-02-16. Review status: criteria provided, single submitter. Criteria: ICSL Variant Classification Criteria 13 December 2019. Collection method: clinical testing. Allele origin: germline.

NM_000303.3(PMM2):c.639+10G>A

Gene: PMM2 (phosphomannomutase 2; plus strand). Cytogenetic location: 16p13.2.
Variant type: single nucleotide variant.
Coding change: c.639+10G>A on transcript NM_000303.3 (MANE Select); 10 bases into the intron after coding-DNA position 639, G replaced by A.
Molecular consequence: intron variant.
Genome position (GRCh38, 1-based): chr16:8,813,116, G>A. VCF-style: chr16-8813116-G-A. GRCh37 (hg19) VCF-style: chr16-8906973-G-A.
Identifiers: ClinVar variation 734540 (VCV000734540.17), dbSNP rs200593954, ClinGen allele CA7894155.